The following is an entry in ClinVar:

NM_001374828.1(ARID1B):c.4106C>G (p.Ser1369Ter)

Gene: ARID1B (AT-rich interaction domain 1B; plus strand). Cytogenetic location: 6q25.3.
Variant type: single nucleotide variant.
Coding change: c.4106C>G on transcript NM_001374828.1 (MANE Select); coding-DNA position 4106, C replaced by G.
Protein change: p.Ser1369Ter; replaces serine 1369 with a stop codon.
Molecular consequence: nonsense.
Genome position (GRCh38, 1-based): chr6:157,190,085, C>G. VCF-style: chr6-157190085-C-G. GRCh37 (hg19) VCF-style: chr6-157511219-C-G.
Other names: c.1607C>G, p.Ser536Ter (NM_001363725.2); c.3986C>G, p.Ser1329Ter (NM_001371656.1, NM_001374820.1); c.3947C>G, p.Ser1316Ter (NM_017519.3); short protein forms S1329*, S1316*, S1369*, S536*.
Identifiers: ClinVar variation 3632244 (VCV003632244.2).

ClinVar aggregate classification (germline): Pathogenic (1 of 4 stars; one submission).

Submission:

Labcorp Genetics (formerly Invitae), Labcorp
Classification: Pathogenic. Last evaluated: 2024-04-12. Review status: criteria provided, single submitter. Criteria: Invitae Variant Classification Sherloc (09022015). Collection method: clinical testing. Allele origin: germline.
Comment: This sequence change creates a premature translational stop signal (p.Ser1246*) in the ARID1B gene. It is expected to result in an absent or disrupted protein product. Loss-of-function variants in ARID1B are known to be pathogenic (PMID: 25674384, 30349098). This variant is not present in population databases (gnomAD no frequency). This variant has not been reported in the literature in individuals affected with ARID1B-related conditions. For these reasons, this variant has been classified as Pathogenic.

Literature cited by the submitters: PubMed 25674384; PubMed 30349098.